The following is an entry in ClinVar:

ClinVar aggregate classification (germline): Pathogenic/Likely pathogenic. Review status: criteria provided, multiple submitters, no conflicts (2 of 4 stars). 11 submissions from 11 submitters: Pathogenic (5); Likely pathogenic (5). 1 of the submissions does not count toward it. Last evaluated 2026-08-18.

Conditions:
TSC2-related disorder. Also called: TSC2-related condition; TSC2-Related Disorders.
Hereditary cancer-predisposing syndrome. Also called: Hereditary Cancer Syndrome; Tumor predisposition; Neoplastic Syndromes, Hereditary; Hereditary neoplastic syndrome. Identifiers: Orphanet 140162, MedGen C0027672, MeSH D009386, MONDO:0015356.
Tuberous sclerosis syndrome (TSC). Also called: Tuberous Sclerosis Complex; Tuberous sclerosis. Identifiers: Orphanet 805, MedGen C0041341, MONDO:0001734.
Tuberous sclerosis 2 (TSC2). Identifiers: Orphanet 805, MedGen C1860707, MONDO:0013199, OMIM 613254.

gnomAD v4.1: 4 of 1,612,464 alleles (0.00025%); highest among the groups gnomAD compares: Non-Finnish European, 0.00034%; no homozygotes.

Submissions (11):

GeneDx
Classification: Pathogenic. Last evaluated: 2026-08-18. Review status: criteria provided, single submitter. Criteria: GeneDx Variant Classification Process June 2021. Collection method: clinical testing. Allele origin: germline.
Comment: Published functional studies demonstrate a damaging effect: significantly increased mTORC1 activity as compared to wild type (PMID: 32555378); Not observed at significant frequency in large population cohorts (gnomAD); In silico analysis supports that this missense variant has a deleterious effect on protein structure/function; This variant is associated with the following publications: (PMID: 18307215, 15798777, 16417848, 11112665, 22750304, 19176517, 16114042, 18466115, 32555378)

PreventionGenetics, part of Exact Sciences
Classification: Pathogenic for TSC2-related condition. Last evaluated: 2025-11-11. Review status: criteria provided, single submitter. Criteria: ACMG Guidelines, 2015. Collection method: clinical testing. Allele origin: germline.
Comment: The TSC2 c.4672G>A variant is predicted to result in the amino acid substitution p.Glu1558Lys. This variant has been reported in individuals with tuberous sclerosis, including one in whom it occurred de novo (see, for example: Dabora et al. 2001. PubMed ID: 11112665; Jóźwiak et al. 2005. PubMed ID: 16417848; Rosengren et al. 2020. PubMed ID: 32555378). Experimental studies indicate this variant impacts protein function (Marshall et al. 2009. PubMed ID: 19176517; Rosengren et al. 2020. PubMed ID: 32555378). This variant has not been reported in a large population database (gnomAD), indicating it is rare. The TSC2 c.4672G>A variant has been classified as likely pathogenic/pathogenic by all submitters in ClinVar (Variation ID: 49794). We interpret this variant as pathogenic.

Ambry Genetics
Classification: Likely pathogenic for Hereditary cancer-predisposing syndrome. Last evaluated: 2025-10-24. Review status: criteria provided, single submitter. Criteria: Ambry Variant Classification Scheme 2023. Collection method: clinical testing. Allele origin: germline.
Comment: The p.E1558K variant (also known as c.4672G>A), located in coding exon 36 of the TSC2 gene, results from a G to A substitution at nucleotide position 4672. The glutamic acid at codon 1558 is replaced by lysine, an amino acid with similar properties. This alteration has been identified in tuberous sclerosis complex (TSC) cohorts (Dabora SL et al. Am J Hum Genet, 2001 Jan;68:64-80; Rendtorff ND et al. Hum Mutat, 2005 Oct;26:374-83; Rosengren T et al. Sci Rep, 2020 Jun;10:9909). A proband with this variant was identified to have pediatric cardiac rhabdomyomas and periventricular calcifications, but was otherwise negative for skin lesions and neurological symptoms associated with TSC (J&oacute;wiak S et al. J Child Neurol, 2005 Dec;20:988-9). Protein functional studies have shown this variant results in an impairment of TSC2 function (Rosengren T et al. Sci Rep, 2020 Jun;10:9909). Other TSC2 missense alterations have been associated with reduced penetrance and milder phenotype, including variable expression within the same kindreds (Farach LS et al. Am J Med Genet A, 2017 Mar;173:771-775; Wentink M et al. Clin Genet, 2012 May;81:453-61). This amino acid position is highly conserved in available vertebrate species. In addition, this alteration is predicted to be deleterious by in silico analysis. This variant is considered to be rare based on population cohorts in the Genome Aggregation Database (gnomAD). Based on the majority of available evidence to date, this variant is likely to be pathogenic.

Institute of Human Genetics, University of Leipzig Medical Center
Classification: Likely pathogenic for Tuberous sclerosis 2. Last evaluated: 2025-06-24. Review status: criteria provided, single submitter. Criteria: ACMG Guidelines, 2015. Collection method: clinical testing. Allele origin: unknown. Inheritance: Autosomal dominant inheritance. Affected: yes.
Comment: Criteria applied: PS3,PS4_MOD,PM2_SUP,PP3,PP4

Quest Diagnostics Nichols Institute San Juan Capistrano
Classification: Pathogenic. Last evaluated: 2024-07-24. Review status: criteria provided, single submitter. Criteria: Quest Diagnostics criteria. Collection method: clinical testing. Allele origin: unknown.
Comment: The TSC2 c.4672G>A (p.Glu1558Lys) variant has been reported in the published literature in multiple TSC patients (PMIDs: 11112665 (2001), 16114042 (2005)) including one whose primary manifestation was multiple cardiac rhabdomyomas (PMID: 16417848 (2005)). Functional studies suggest that this variant is disruptive to TSC2 function (PMIDs: 32502382 (2020), 32555378 (2020)). This variant has not been reported in large, multi-ethnic general populations (Genome Aggregation Database). Analysis of this variant using bioinformatics tools for the prediction of the effect of amino acid changes on protein structure and function yielded predictions that this variant is damaging. Based on the available information, this variant is classified as pathogenic.

Labcorp Genetics (formerly Invitae), Labcorp
Classification: Pathogenic for Tuberous sclerosis 2. Last evaluated: 2024-04-15. Review status: criteria provided, single submitter. Criteria: Invitae Variant Classification Sherloc (09022015). Collection method: clinical testing. Allele origin: germline.
Comment: This sequence change replaces glutamic acid, which is acidic and polar, with lysine, which is basic and polar, at codon 1558 of the TSC2 protein (p.Glu1558Lys). This variant is not present in population databases (gnomAD no frequency). This missense change has been observed in individual(s) with clinical features of tuberous sclerosis complex (PMID: 11112665, 15798777, 16114042, 16417848, 32555378). In at least one individual the variant was observed to be de novo. ClinVar contains an entry for this variant (Variation ID: 49794). Advanced modeling of protein sequence and biophysical properties (such as structural, functional, and spatial information, amino acid conservation, physicochemical variation, residue mobility, and thermodynamic stability) has been performed at Invitae for this missense variant, however the output from this modeling did not meet the statistical confidence thresholds required to predict the impact of this variant on TSC2 protein function. Experimental studies have shown that this missense change affects TSC2 function (PMID: 32555378). For these reasons, this variant has been classified as Pathogenic.

Genome-Nilou Lab
Classification: Likely pathogenic for Tuberous sclerosis 2. Last evaluated: 2021-11-07. Review status: criteria provided, single submitter. Criteria: ACMG Guidelines, 2015. Collection method: clinical testing. Allele origin: germline. Affected: no.

Laboratory for Molecular Medicine, Mass General Brigham Personalized Medicine
Classification: Likely pathogenic for Tuberous sclerosis syndrome. Last evaluated: 2020-06-23. Review status: criteria provided, single submitter. Criteria: ACMG Guidelines, 2015. Collection method: clinical testing. Allele origin: germline. Inheritance: Autosomal dominant inheritance.
Comment: The p.Glu1558Lys variant in TSC2 has been reported in 1 de novo case (maternity and paternity confirmed) and 1 familial tuberous sclerosis case (Dabora 2001, Rendtorff 2005). It was also absent from large population studies. This variant has also been reported in ClinVar (Variation ID 49794). Computational prediction tools and conservation analysis suggest that the p.Glu1558Lys variant may impact the protein, though this information is not predictive enough to determine pathogenicity. In summary, although additional studies are required to fully establish its clinical significance, the p.Glu1558Lys variant is likely pathogenic. ACMG/AMP Criteria applied: PS2; PM2; PP3; PS4_Supporting.

CeGaT Center for Human Genetics Tuebingen
Classification: Pathogenic. Last evaluated: 2020-04-01. Review status: criteria provided, single submitter. Criteria: CeGaT Center For Human Genetics Tuebingen Variant Classification Criteria Version 2. Collection method: clinical testing. Allele origin: germline. Affected: yes. Observed: 1 variant allele.

Revvity Omics, Revvity
Classification: Likely pathogenic for Tuberous sclerosis 2. Last evaluated: 2019-12-06. Review status: criteria provided, single submitter. Criteria: ACMG Guidelines, 2015. Collection method: clinical testing. Allele origin: germline.

Tuberous sclerosis database (TSC2)
No classification provided. Condition: TSC. Review status: no classification provided. Criteria: Tuberous Sclerosis Database Assertion Criteria 2015. Collection method: curation. Allele origin: germline. Affected: yes. Not counted in ClinVar's aggregate classification.

Literature cited by the submitters: PubMed 11112665 (cited by 4 submitters); PubMed 16114042 (cited by 4 submitters); PubMed 16417848 (cited by 4 submitters); PubMed 21332470 (cited by Ambry Genetics); PubMed 28211972 (cited by Ambry Genetics); PubMed 32555378 (cited by 3 submitters); PubMed 36010895 (cited by Quest Diagnostics Nichols Institute San Juan Capistrano); PubMed 15798777 (cited by 3 submitters); PubMed 32502382 (cited by Quest Diagnostics Nichols Institute San Juan Capistrano); PubMed 29281825 (cited by Quest Diagnostics Nichols Institute San Juan Capistrano).

NM_000548.5(TSC2):c.4672G>A (p.Glu1558Lys)

Gene: TSC2 (TSC complex subunit 2; plus strand). Cytogenetic location: 16p13.3.
Variant type: single nucleotide variant.
Coding change: c.4672G>A on transcript NM_000548.5 (MANE Select); coding-DNA position 4672, G replaced by A.
Protein change: p.Glu1558Lys; replaces glutamic acid 1558 with lysine.
Molecular consequence: missense variant.
Genome position (GRCh38, 1-based): chr16:2,086,202, G>A. VCF-style: chr16-2086202-G-A. GRCh37 (hg19) VCF-style: chr16-2136203-G-A.
Other names: c.4471G>A, p.Glu1491Lys (NM_001077183.3); c.4603G>A, p.Glu1535Lys (NM_001114382.3); c.4363G>A, p.Glu1455Lys (NM_001318827.2); c.4327G>A, p.Glu1443Lys (NM_001318829.2); c.3940G>A, p.Glu1314Lys (NM_001318831.2); c.4504G>A, p.Glu1502Lys (NM_001318832.2); c.4474G>A, p.Glu1492Lys (NM_001363528.2); c.4540G>A, p.Glu1514Lys (NM_001370404.1); and 2 more; short protein forms E1558K, E1443K, E1455K, E1502K, E1514K, E1314K, E1491K, E1535K.
Identifiers: ClinVar variation 49794 (VCV000049794.64), dbSNP rs45517360, ClinGen allele CA020888.